The following is an entry in ClinVar:

NM_000179.3(MSH6):c.650A>T (p.Asp217Val)

Gene: MSH6 (mutS homolog 6; plus strand). Cytogenetic location: 2p16.3.
Variant type: single nucleotide variant.
Coding change: c.650A>T on transcript NM_000179.3 (MANE Select); coding-DNA position 650, A replaced by T.
Protein change: p.Asp217Val; replaces aspartic acid 217 with valine.
Molecular consequence: missense variant. On other transcripts: 5 prime UTR variant (9), non-coding transcript variant (4), intron variant (1).
Genome position (GRCh38, 1-based): chr2:47,798,633, A>T. VCF-style: chr2-47798633-A-T. GRCh37 (hg19) VCF-style: chr2-48025772-A-T.
Other names: c.260A>T, p.Asp87Val (NM_001281492.2); c.-257A>T (NM_001281493.2, NM_001281494.2, NM_001406811.1 and 6 more transcripts); c.746A>T, p.Asp249Val (NM_001406795.1, NM_001406802.1); c.650A>T, p.Asp217Val (NM_001406796.1, NM_001406798.1, NM_001406800.1 and 4 more transcripts); c.353A>T, p.Asp118Val (NM_001406797.1, NM_001406801.1, NM_001406805.1 and 10 more transcripts); c.125A>T, p.Asp42Val (NM_001406799.1, NM_001406806.1, NM_001406807.1); c.572A>T, p.Asp191Val (NM_001406804.1); c.656A>T, p.Asp219Val (NM_001406813.1); and 2 more; short protein forms D217V, D42V, D118V, D191V, D161V, D219V, D249V, D87V.
Identifiers: ClinVar variation 2860052 (VCV002860052.3), dbSNP rs554012110, ClinGen allele CA346739302.

ClinVar aggregate classification (germline): Uncertain significance (1 of 4 stars; one submission).

Conditions:
Hereditary nonpolyposis colorectal neoplasms. Identifiers: MedGen C0009405, MeSH D003123.

Submission:

Labcorp Genetics (formerly Invitae), Labcorp
Classification: Uncertain significance for Hereditary nonpolyposis colorectal neoplasms. Last evaluated: 2023-05-24. Review status: criteria provided, single submitter. Criteria: Invitae Variant Classification Sherloc (09022015). Collection method: clinical testing. Allele origin: germline.
Comment: In summary, the available evidence is currently insufficient to determine the role of this variant in disease. Therefore, it has been classified as a Variant of Uncertain Significance. Advanced modeling of protein sequence and biophysical properties (such as structural, functional, and spatial information, amino acid conservation, physicochemical variation, residue mobility, and thermodynamic stability) performed at Invitae indicates that this missense variant is not expected to disrupt MSH6 protein function. This variant has not been reported in the literature in individuals affected with MSH6-related conditions. This variant is not present in population databases (gnomAD no frequency). This sequence change replaces aspartic acid, which is acidic and polar, with valine, which is neutral and non-polar, at codon 217 of the MSH6 protein (p.Asp217Val).